The following is an entry in ClinVar:

NM_000257.4(MYH7):c.2922+1G>A

Gene: MYH7 (myosin heavy chain 7; minus strand). Cytogenetic location: 14q11.2.
Variant type: single nucleotide variant.
Coding change: c.2922+1G>A on transcript NM_000257.4 (MANE Select); the canonical splice donor site of the intron after coding-DNA position 2922, G replaced by A.
Molecular consequence: splice donor variant.
Genome position (GRCh38, 1-based): chr14:23,423,906, C>T on the plus strand (G>A on the coding strand, the complement: MYH7 is on the minus strand). VCF-style: chr14-23423906-C-T. GRCh37 (hg19) VCF-style: chr14-23893115-C-T.
Other names: c.2922+1G>A (NM_001407004.1).
Identifiers: ClinVar variation 2773942 (VCV002773942.2), dbSNP rs752642671, ClinGen allele CA034658.

ClinVar aggregate classification (germline): Uncertain significance (1 of 4 stars; one submission).

Conditions:
Cardiomyopathy (CMYO). Also called: Cardiomyopathies. Identifiers: Orphanet 167848, MedGen C0878544, MONDO:0004994, HP:0001638. Inheritance: Various modes of inheritance.

Allele frequency attached by ClinVar (database versions not stated): gnomAD exomes below 0.00001; ExAC 0.00001.
gnomAD v4.1: 1 of 1,614,018 alleles (0.000062%); highest among the groups gnomAD compares: Non-Finnish European, 0.000085%; no homozygotes.

Submission:

Color Diagnostics, LLC DBA Color Health
Classification: Uncertain significance for Cardiomyopathy. Last evaluated: 2021-12-15. Review status: criteria provided, single submitter. Criteria: ACMG Guidelines, 2015. Collection method: clinical testing. Allele origin: germline.
Comment: This variant causes a G to A nucleotide substitution at the +1 position of intron 23 of the MYH7 gene. Splice prediction tools suggest that this variant may disrupt RNA splicing. To our knowledge, functional studies have not been reported for this variant. This variant has not been reported in individuals affected with cardiovascular disorders in the literature. This variant has been identified in 1/251402 chromosomes in the general population by the Genome Aggregation Database (gnomAD). The role of loss-of-function MYH7 truncation and splice variants in autosomal dominant cardiovascular disorders is not clearly established. The available evidence is insufficient to determine the role of this variant in autosomal dominant cardiovascular disorders conclusively. Therefore, this variant is classified as a Variant of Uncertain Significance.